The following is an entry in ClinVar:

GRCh37/hg19 6p22.3-22.2(chr6:21704602-26187420)x1

Genes: ACOT13 (acyl-CoA thioesterase 13; plus strand), ALDH5A1 (aldehyde dehydrogenase 5 family member A1; plus strand), C6orf62 (chromosome 6 open reading frame 62; minus strand), CARMIL1 (capping protein regulator and myosin 1 linker 1; plus strand), DCDC2 (doublecortin domain containing 2; minus strand) and 35 more. Cytogenetic location: 6p22.3-22.2.
Variant type: copy number loss.
Change: copy number 1 (one copy instead of two) of chr6:21,704,602-26,187,420 (4.48 Mb, GRCh37 coordinates, 1-based), cytogenetic band 6p22.3-22.2.
Identifiers: ClinVar variation 2685197 (VCV002685197.1).

ClinVar aggregate classification (germline): Likely pathogenic (1 of 4 stars; one submission).

Submission:

Quest Diagnostics Nichols Institute San Juan Capistrano
Classification: Likely pathogenic. Last evaluated: 2022-11-11. Review status: criteria provided, single submitter. Criteria: ACMG/ClinGen CNV Guidelines, 2019. Collection method: clinical testing. Allele origin: unknown.
Comment: The copy number loss of 6p22.3p22.2 involves numerous protein-coding genes. Heterozygous truncating variants of H1-4 are associated with autosomal dominant Rahman syndrome (OMIM 617537). There are no similar copy number losses of this region in the general populations of the Database of Genomic Variants. Thus, based on size and gene count, this copy number variant (CNV) is classified as likely pathogenic.